The following is an entry in ClinVar:

NM_003970.4(MYOM2):c.1560C>T (p.Ser520=)

Gene: MYOM2 (myomesin 2; plus strand). Cytogenetic location: 8p23.3.
Variant type: single nucleotide variant.
Coding change: c.1560C>T on transcript NM_003970.4 (MANE Select); coding-DNA position 1560, C replaced by T.
Protein change: p.Ser520=; no amino-acid change (serine 520 retained).
Molecular consequence: synonymous variant.
Genome position (GRCh38, 1-based): chr8:2,085,306, C>T. VCF-style: chr8-2085306-C-T. GRCh37 (hg19) VCF-style: chr8-2033438-C-T.
Identifiers: ClinVar variation 2658309 (VCV002658309.24), dbSNP rs141043797, ClinGen allele CA170452939.

ClinVar aggregate classification (germline): Likely benign (1 of 4 stars; one submission).

Allele frequency attached by ClinVar (database versions not stated): 1000 Genomes Project 30x 0.00016; 1000 Genomes Project 0.00020; ESP Exome Variant Server 0.00023; ExAC 0.00038; gnomAD exomes 0.00038; gnomAD 0.00052; TOPMed 0.00058.
gnomAD v4.1: 651 of 1,614,150 alleles (0.04%); highest among the groups gnomAD compares: African/African-American, 0.068%; no homozygotes.

Submission:

CeGaT Center for Human Genetics Tuebingen
Classification: Likely benign. Last evaluated: 2022-12-01. Review status: criteria provided, single submitter. Criteria: CeGaT Center For Human Genetics Tuebingen Variant Classification Criteria Version 2. Collection method: clinical testing. Allele origin: germline. Affected: yes. Observed: 1 variant allele.
Comment: MYOM2: BP4, BP7